The following is an entry in ClinVar:

NM_015338.6(ASXL1):c.4035G>A (p.Met1345Ile)

Gene: ASXL1 (ASXL transcriptional regulator 1; plus strand). Cytogenetic location: 20q11.21.
Variant type: single nucleotide variant.
Coding change: c.4035G>A on transcript NM_015338.6 (MANE Select); coding-DNA position 4035, G replaced by A.
Protein change: p.Met1345Ile; replaces methionine 1345 with isoleucine.
Molecular consequence: missense variant.
Genome position (GRCh38, 1-based): chr20:32,436,747, G>A. VCF-style: chr20-32436747-G-A. GRCh37 (hg19) VCF-style: chr20-31024550-G-A.
Other names: c.3852G>A, p.Met1284Ile (NM_001363734.1); short protein forms M1284I, M1345I.
Identifiers: ClinVar variation 4864839 (VCV004864839.1).
Genomic context (GRCh38, chr20:32,436,747, plus strand): 5'-TCCTGCTGAGATCCCTCCAGTTTTTCCCAGTGGGAAGTTGGGACCAAGCACAAACTCCAT[G>A]TCTGGTGGGGTACAGACTCCAAGGGAAGACTGGGCTCCAAAGCCACATGCCTTTGTTGGC-3'
Protein context (NP_056153.2, residues 1335-1355): SGKLGPSTNS[Met1345Ile]SGGVQTPRED

ClinVar aggregate classification (germline): Uncertain significance (1 of 4 stars; one submission).

Conditions:
Inborn genetic diseases. Identifiers: MedGen C0950123, MeSH D030342.

Submission:

Ambry Genetics
Classification: Uncertain significance for Inborn genetic diseases. Last evaluated: 2026-05-30. Review status: criteria provided, single submitter. Criteria: Ambry Variant Classification Scheme 2023. Collection method: clinical testing. Allele origin: germline.
Comment: The p.M1345I variant (also known as c.4035G>A), located in coding exon 13 of the ASXL1 gene, results from a G to A substitution at nucleotide position 4035. The methionine at codon 1345 is replaced by isoleucine, an amino acid with highly similar properties. This amino acid position is conserved. In addition, this alteration is predicted to be tolerated by in silico analysis. Based on the available evidence, the clinical significance of this variant remains unclear.